The following is an entry in ClinVar:

NM_001127222.2(CACNA1A):c.5645T>C (p.Leu1882Pro)

Gene: CACNA1A (calcium voltage-gated channel subunit alpha1 A; minus strand). Cytogenetic location: 19p13.13.
Variant type: single nucleotide variant.
Coding change: c.5645T>C on transcript NM_001127222.2 (MANE Select); coding-DNA position 5645, T replaced by C.
Protein change: p.Leu1882Pro; replaces leucine 1882 with proline.
Molecular consequence: missense variant.
Genome position (GRCh38, 1-based): chr19:13,224,753, A>G on the plus strand (T>C on the coding strand, the complement: CACNA1A is on the minus strand). VCF-style: chr19-13224753-A-G. GRCh37 (hg19) VCF-style: chr19-13335567-A-G.
Other names: c.5663T>C, p.Leu1888Pro (NM_000068.4, NM_023035.3); c.5648T>C, p.Leu1883Pro (NM_001127221.2); c.5654T>C, p.Leu1885Pro (NM_001174080.2); short protein forms L1882P, L1883P, L1885P, L1888P.
Identifiers: ClinVar variation 1711466 (VCV001711466.30), dbSNP rs2512590052, ClinGen allele CA404337233.

ClinVar aggregate classification (germline): Uncertain significance (1 of 4 stars; one submission).

Submission:

CeGaT Center for Human Genetics Tuebingen
Classification: Uncertain significance. Last evaluated: 2022-09-01. Review status: criteria provided, single submitter. Criteria: CeGaT Center For Human Genetics Tuebingen Variant Classification Criteria Version 2. Collection method: clinical testing. Allele origin: germline. Affected: yes. Observed: 1 variant allele.
Comment: CACNA1A: PM2, PP2